The following is an entry in ClinVar:

NM_001164665.2(KIAA1549):c.4420C>T (p.Arg1474Cys)

Gene: KIAA1549 (KIAA1549; minus strand). Cytogenetic location: 7q34.
Variant type: single nucleotide variant.
Coding change: c.4420C>T on transcript NM_001164665.2 (MANE Select); coding-DNA position 4420, C replaced by T.
Protein change: p.Arg1474Cys; replaces arginine 1474 with cysteine.
Molecular consequence: missense variant.
Genome position (GRCh38, 1-based): chr7:138,871,288, G>A on the plus strand (C>T on the coding strand, the complement: KIAA1549 is on the minus strand). VCF-style: chr7-138871288-G-A. GRCh37 (hg19) VCF-style: chr7-138556034-G-A.
Other names: c.4420C>T, p.Arg1474Cys (NM_020910.3); short protein forms R1474C.
Identifiers: ClinVar variation 2079102 (VCV002079102.1), dbSNP rs1399847863, ClinGen allele CA369374882.

ClinVar aggregate classification (germline): Uncertain significance (1 of 4 stars; one submission).

Allele frequency attached by ClinVar (database versions not stated): gnomAD exomes 0.00001; TOPMed 0.00001.
gnomAD v4.1: 15 of 1,609,448 alleles (0.00093%); highest among the groups gnomAD compares: African/African-American, 0.0013%; no homozygotes.

Submission:

Labcorp Genetics (formerly Invitae), Labcorp
Classification: Uncertain significance. Last evaluated: 2022-02-17. Review status: criteria provided, single submitter. Criteria: Invitae Variant Classification Sherloc (09022015). Collection method: clinical testing. Allele origin: germline.
Comment: This sequence change replaces arginine, which is basic and polar, with cysteine, which is neutral and slightly polar, at codon 1474 of the KIAA1549 protein (p.Arg1474Cys). The frequency data for this variant in the population databases is considered unreliable, as metrics indicate poor data quality at this position in the gnomAD database. This variant has not been reported in the literature in individuals affected with KIAA1549-related conditions. Algorithms developed to predict the effect of missense changes on protein structure and function (SIFT, PolyPhen-2, Align-GVGD) all suggest that this variant is likely to be disruptive. Algorithms developed to predict the effect of sequence changes on RNA splicing suggest that this variant is not likely to affect RNA splicing. In summary, the available evidence is currently insufficient to determine the role of this variant in disease. Therefore, it has been classified as a Variant of Uncertain Significance.